The following is an entry in ClinVar:

NM_001368882.1(COL13A1):c.505G>A (p.Gly169Ser)

Gene: COL13A1 (collagen type XIII alpha 1 chain; plus strand). Cytogenetic location: 10q22.1.
Variant type: single nucleotide variant.
Coding change: c.505G>A on transcript NM_001368882.1 (MANE Select); coding-DNA position 505, G replaced by A.
Protein change: p.Gly169Ser; replaces glycine 169 with serine.
Molecular consequence: missense variant. On other transcripts: 5 prime UTR variant (1), intron variant (5).
Genome position (GRCh38, 1-based): chr10:69,880,545, G>A. VCF-style: chr10-69880545-G-A. GRCh37 (hg19) VCF-style: chr10-71640301-G-A.
Other names: c.478G>A, p.Gly160Ser (NM_001130103.2, NM_080800.4, NM_080801.4 and 1 more transcripts); c.505G>A, p.Gly169Ser (NM_001320951.2, NM_001368884.1); c.469G>A, p.Gly157Ser (NM_001368883.1, NM_001368885.1); c.-96G>A (NM_001368886.1); c.415G>A, p.Gly139Ser (NM_001368895.1); c.400-6911G>A (NM_080805.4, NM_001368897.1); c.373-6911G>A (NM_001368898.1, NM_080798.4, NM_001368896.1); c.478G>A (NM_001130103.1); short protein forms G157S, G160S, G139S, G169S.
Identifiers: ClinVar variation 1920227 (VCV001920227.6), dbSNP rs745996403, ClinGen allele CA5534189.
Genomic context (GRCh38, chr10:69,880,545, plus strand): 5'-CTTCCTCTCTCCCCGCAGGGGTCCCCCGGAGACGCTGGGCTGTCCATCATTGGTCCCCGC[G>A]GCCCCCCTGTAAGTTGTTTTTGCTCTTCCTCGGGGTGTTGGGGGGATGGGTGAGTTGATG-3'
Protein context (NP_001355811.1, residues 159-179): DAGLSIIGPR[Gly169Ser]PPGQPGTRGF

ClinVar aggregate classification (germline): Uncertain significance. Review status: criteria provided, multiple submitters, no conflicts (2 of 4 stars). 2 submissions from 2 submitters: Uncertain significance (2). Last evaluated 2025-08-11.

Conditions:
Inborn genetic diseases. Identifiers: MedGen C0950123, MeSH D030342.

Allele frequency attached by ClinVar (database versions not stated): ExAC 0.00001; gnomAD 0.00001; gnomAD exomes 0.00001; TOPMed 0.00002.
gnomAD v4.1: 14 of 1,613,328 alleles (0.00087%); highest among the groups gnomAD compares: South Asian, 0.0022%; no homozygotes.

Submissions (2):

Ambry Genetics
Classification: Uncertain significance for Inborn genetic diseases. Last evaluated: 2025-08-11. Review status: criteria provided, single submitter. Criteria: Ambry Variant Classification Scheme 2023. Collection method: clinical testing. Allele origin: germline.

Labcorp Genetics (formerly Invitae), Labcorp
Classification: Uncertain significance. Last evaluated: 2022-08-16. Review status: criteria provided, single submitter. Criteria: Invitae Variant Classification Sherloc (09022015). Collection method: clinical testing. Allele origin: germline.
Comment: In summary, the available evidence is currently insufficient to determine the role of this variant in disease. Therefore, it has been classified as a Variant of Uncertain Significance. Algorithms developed to predict the effect of sequence changes on RNA splicing suggest that this variant may create or strengthen a splice site. Algorithms developed to predict the effect of missense changes on protein structure and function (SIFT, PolyPhen-2, Align-GVGD) all suggest that this variant is likely to be disruptive. This variant has not been reported in the literature in individuals affected with COL13A1-related conditions. This variant is present in population databases (rs745996403, gnomAD 0.003%). This sequence change replaces glycine, which is neutral and non-polar, with serine, which is neutral and polar, at codon 160 of the COL13A1 protein (p.Gly160Ser).